The following is an entry in ClinVar:

NM_001042492.3(NF1):c.370_386del (p.Cys124fs)

Gene: NF1 (neurofibromin 1; plus strand). Cytogenetic location: 17q11.2.
Variant type: Deletion.
Coding change: c.370_386del on transcript NM_001042492.3 (MANE Select); coding-DNA positions 370 to 386, 17 bases deleted (TGTCGTGAAGGAAACCA).
Protein change: p.Cys124fs; shifts the reading frame from cysteine 124.
Molecular consequence: frameshift variant.
Genome position (GRCh38, 1-based): chr17:31,163,267-31,163,283, TGTCGTGAAGGAAACCA deleted. VCF-style (leftmost placement, unchanged base first): chr17-31163266-CTGTCGTGAAGGAAACCA-C. GRCh37 (hg19) VCF-style: chr17-29490284-CTGTCGTGAAGGAAACCA-C.
Other names: c.370_386del17, p.Cys124Alafs (NM_000267.4); c.370_386del, p.Cys124fs (NM_001128147.3); short protein forms C124fs.
Identifiers: ClinVar variation 2006843 (VCV002006843.4), dbSNP rs2544700783, ClinGen allele CA2580092842.

ClinVar aggregate classification (germline): Pathogenic (1 of 4 stars; one submission).

Conditions:
Neurofibromatosis, type 1 (NF1). Also called: Neurofibromatosis, type I; Peripheral type neurofibromatosis; VON RECKLINGHAUSEN DISEASE; NEUROFIBROMATOSIS, TYPE I, SOMATIC. Identifiers: Orphanet 636, MedGen C0027831, MONDO:0018975, OMIM 162200. Disease mechanism: loss of function.

Submission:

Labcorp Genetics (formerly Invitae), Labcorp
Classification: Pathogenic for Neurofibromatosis, type 1. Last evaluated: 2022-06-15. Review status: criteria provided, single submitter. Criteria: Invitae Variant Classification Sherloc (09022015). Collection method: clinical testing. Allele origin: germline.
Comment: For these reasons, this variant has been classified as Pathogenic. This variant has not been reported in the literature in individuals affected with NF1-related conditions. This variant is not present in population databases (gnomAD no frequency). This sequence change creates a premature translational stop signal (p.Cys124Alafs*4) in the NF1 gene. It is expected to result in an absent or disrupted protein product. Loss-of-function variants in NF1 are known to be pathogenic (PMID: 10712197, 23913538).

Literature cited by the submitters: PubMed 10712197; PubMed 23913538.